The following is an entry in ClinVar:

ClinVar aggregate classification (germline): Uncertain significance. Review status: criteria provided, multiple submitters, no conflicts (2 of 4 stars). 2 submissions from 2 submitters: Uncertain significance (2). Last evaluated 2025-03-14.

Conditions:
Cardiovascular phenotype. Identifiers: MedGen CN230736.

Allele frequency attached by ClinVar (database versions not stated): gnomAD exomes below 0.00001.
gnomAD v4.1: 3 of 1,614,208 alleles (0.00019%); highest among the groups gnomAD compares: Non-Finnish European, 0.00025%; no homozygotes.

Submissions (2):

Ambry Genetics
Classification: Uncertain significance for Cardiovascular phenotype. Last evaluated: 2025-03-14. Review status: criteria provided, single submitter. Criteria: Ambry Variant Classification Scheme 2023. Collection method: clinical testing. Allele origin: germline.
Comment: The p.S1683F variant (also known as c.5048C>T), located in coding exon 30 of the FLNC gene, results from a C to T substitution at nucleotide position 5048. The serine at codon 1683 is replaced by phenylalanine, an amino acid with highly dissimilar properties. This amino acid position is conserved. In addition, this alteration is predicted to be tolerated by in silico analysis. Based on the available evidence, the clinical significance of this variant remains unclear.

Revvity Omics, Revvity
Classification: Uncertain significance. Last evaluated: 2019-06-26. Review status: criteria provided, single submitter. Criteria: ACMG Guidelines, 2015. Collection method: clinical testing. Allele origin: germline.

NM_001458.5(FLNC):c.5048C>T (p.Ser1683Phe)

Gene: FLNC (filamin C; plus strand). Cytogenetic location: 7q32.1.
Variant type: single nucleotide variant.
Coding change: c.5048C>T on transcript NM_001458.5 (MANE Select); coding-DNA position 5048, C replaced by T.
Protein change: p.Ser1683Phe; replaces serine 1683 with phenylalanine.
Molecular consequence: missense variant.
Genome position (GRCh38, 1-based): chr7:128,849,427, C>T. VCF-style: chr7-128849427-C-T. GRCh37 (hg19) VCF-style: chr7-128489481-C-T.
Other names: c.5048C>T, p.Ser1683Phe (NM_001127487.2); short protein forms S1683F.
Identifiers: ClinVar variation 2441492 (VCV002441492.4), dbSNP rs2536650489, ClinGen allele CA369204064.